The following is an entry in ClinVar:

NM_000268.4(NF2):c.1754C>T (p.Ala585Val)

Gene: NF2 (NF2, moesin-ezrin-radixin like (MERLIN) tumor suppressor; plus strand). Cytogenetic location: 22q12.2.
Variant type: single nucleotide variant.
Coding change: c.1754C>T on transcript NM_000268.4 (MANE Select); coding-DNA position 1754, C replaced by T.
Protein change: p.Ala585Val; replaces alanine 585 with valine.
Molecular consequence: missense variant. On other transcripts: 3 prime UTR variant (11), non-coding transcript variant (1).
Genome position (GRCh38, 1-based): chr22:29,694,768, C>T. VCF-style: chr22-29694768-C-T. GRCh37 (hg19) VCF-style: chr22-30090757-C-T.
Other names: c.1640C>T, p.Ala547Val (NM_001407053.1); c.1631C>T, p.Ala544Val (NM_001407054.1); c.1628C>T, p.Ala543Val (NM_001407055.1); c.*26C>T (NM_001407056.1, NM_001407059.1, NM_001407065.1 and 5 more transcripts); c.*41C>T (NM_181832.3, NM_001407058.1, NM_001407063.1); c.464C>T, p.Ala155Val (NM_181833.3); c.1619C>T, p.Ala540Val (NM_001407057.1); c.1591C>T, p.Pro531Ser (NM_001407060.1); and 2 more; short protein forms A544V, A547V, A540V, A543V, P448S, P531S, A155V, A499V.
Identifiers: ClinVar variation 3685547 (VCV003685547.2).

ClinVar aggregate classification (germline): Uncertain significance (1 of 4 stars; one submission).

Conditions:
Neurofibromatosis, type 2 (SWNV). Also called: BILATERAL ACOUSTIC NEUROFIBROMATOSIS; SCHWANNOMATOSIS, VESTIBULAR; NF2-Related Schwannomatosis. Identifiers: Orphanet 637, MedGen C0027832, MONDO:0007039, OMIM 101000. Disease mechanism: loss of function.

gnomAD v4.1: 1 of 1,613,880 alleles (0.000062%); highest among the groups gnomAD compares: Non-Finnish European, 0.000085%; no homozygotes.

Submission:

Labcorp Genetics (formerly Invitae), Labcorp
Classification: Uncertain significance for Neurofibromatosis, type 2. Last evaluated: 2024-07-26. Review status: criteria provided, single submitter. Criteria: Invitae Variant Classification Sherloc (09022015). Collection method: clinical testing. Allele origin: germline.
Comment: This sequence change replaces alanine, which is neutral and non-polar, with valine, which is neutral and non-polar, at codon 585 of the NF2 protein (p.Ala585Val). This variant is not present in population databases (gnomAD no frequency). This variant has not been reported in the literature in individuals affected with NF2-related conditions. Advanced modeling of protein sequence and biophysical properties (such as structural, functional, and spatial information, amino acid conservation, physicochemical variation, residue mobility, and thermodynamic stability) performed at Invitae indicates that this missense variant is not expected to disrupt NF2 protein function with a negative predictive value of 80%. In summary, the available evidence is currently insufficient to determine the role of this variant in disease. Therefore, it has been classified as a Variant of Uncertain Significance.